The following is an entry in ClinVar:

ClinVar aggregate classification (germline): Conflicting classifications of pathogenicity. Review status: criteria provided, conflicting classifications (1 of 4 stars). 7 submissions from 7 submitters: Uncertain significance (6); Likely benign (1). Last evaluated 2025-05-29.

Conditions:
Cardiovascular phenotype. Identifiers: MedGen CN230736.
Dilated cardiomyopathy 1G (CMD1G). Identifiers: Orphanet 154, MedGen C1858763, MONDO:0011400, OMIM 604145.
Autosomal recessive limb-girdle muscular dystrophy type 2J (LGMDR10). Also called: MUSCULAR DYSTROPHY, LIMB-GIRDLE, AUTOSOMAL RECESSIVE 10; Limb-girdle muscular dystrophy, type 2J. Identifiers: Orphanet 140922, MedGen C1837342, MONDO:0012127, OMIM 608807.

Allele frequency attached by ClinVar (database versions not stated): ExAC 0.00002; gnomAD exomes 0.00002 and 0.00004; TOPMed 0.00002; gnomAD 0.00003; ESP Exome Variant Server 0.00008; 1000 Genomes Project 30x 0.00016; 1000 Genomes Project 0.00020.
gnomAD v4.1: 57 of 1,612,486 alleles (0.0035%); highest among the groups gnomAD compares: Non-Finnish European, 0.0045%; no homozygotes.

Submissions (7):

Revvity Omics, Revvity
Classification: Uncertain significance. Last evaluated: 2025-05-29. Review status: criteria provided, single submitter. Criteria: ACMG Guidelines, 2015. Collection method: clinical testing. Allele origin: germline.

Women's Health and Genetics/Laboratory Corporation of America, LabCorp
Classification: Uncertain significance. Last evaluated: 2025-05-05. Review status: criteria provided, single submitter. Criteria: LabCorp Variant Classification Summary - May 2015. Collection method: clinical testing. Allele origin: germline.
Comment: Variant summary: TTN c.42373G>A (p.Val14125Ile) results in a conservative amino acid change in the encoded protein sequence. Algorithms developed to predict the effect of missense changes on protein structure and function are either unavailable or do not agree on the potential impact of this missense change. The variant allele was found at a frequency of 2e-05 in 246106 control chromosomes (gnomAD). The available data on variant occurrences in the general population are insufficient to allow any conclusion about variant significance. c.42373G>A has been observed in one individual affected with hypertrophic cardiomyopathy (Lopes_2013). The report does not provide unequivocal conclusions about association of the variant with Autosomal Recessive Titinopathy. To our knowledge, no experimental evidence demonstrating an impact on protein function has been reported. The following publication have been ascertained in the context of this evaluation (PMID: 23396983). ClinVar contains an entry for this variant (Variation ID: 195639). Based on the evidence outlined above, the variant was classified as uncertain significance.

Athena Diagnostics
Classification: Uncertain significance. Last evaluated: 2021-03-05. Review status: criteria provided, single submitter. Criteria: Athena Diagnostics criteria. Collection method: clinical testing. Allele origin: unknown.

Ambry Genetics
Classification: Uncertain significance for Cardiovascular phenotype. Last evaluated: 2020-01-15. Review status: criteria provided, single submitter. Criteria: Ambry Variant Classification Scheme 2023. Collection method: clinical testing. Allele origin: germline.
Comment: The p.V7628I variant (also known as c.22882G>A), located in coding exon 93 of the TTN gene, results from a G to A substitution at nucleotide position 22882. The valine at codon 7628 is replaced by isoleucine, an amino acid with highly similar properties. This variant has been reported in a hypertrophic cardiomyopathy cohort in conjunction with variants in other cardiac-related genes (Lopes LR et al. J. Med. Genet., 2013 Apr;50:228-39). This amino acid position is highly conserved in available vertebrate species. In addition, this alteration is predicted to be tolerated by in silico analysis. Since supporting evidence is limited at this time, the clinical significance of this alteration remains unclear.

GeneDx
Classification: Likely benign. Last evaluated: 2019-12-16. Review status: criteria provided, single submitter. Criteria: GeneDx Variant Classification Process June 2021. Collection method: clinical testing. Allele origin: germline. Affected: yes.
Comment: This variant is associated with the following publications: (PMID: 23396983)

Eurofins Ntd Llc (ga)
Classification: Uncertain significance. Last evaluated: 2018-07-10. Review status: criteria provided, single submitter. Criteria: EGL ClinVar v180209 classification definitions. Collection method: clinical testing. Allele origin: germline. Observed: 3 variant alleles, 3 heterozygotes.

Labcorp Genetics (formerly Invitae), Labcorp
Classification: Uncertain significance for Dilated cardiomyopathy 1G; Autosomal recessive limb-girdle muscular dystrophy type 2J. Last evaluated: 2016-10-09. Review status: criteria provided, single submitter. Criteria: Invitae Variant Classification Sherloc (09022015). Collection method: clinical testing. Allele origin: germline.

Literature cited by the submitters: PubMed 23396983 (cited by 3 submitters).

NM_001267550.2(TTN):c.50077G>A (p.Val16693Ile)

Genes: TTN (titin; minus strand), TTN-AS1 (TTN antisense RNA 1; plus strand). Cytogenetic location: 2q31.2.
Variant type: single nucleotide variant.
Coding change: c.50077G>A on transcript NM_001267550.2 (MANE Select); coding-DNA position 50077, G replaced by A.
Protein change: p.Val16693Ile; replaces valine 16693 with isoleucine.
Molecular consequence: missense variant.
Genome position (GRCh38, 1-based): chr2:178,612,448, C>T on the plus strand (G>A on the coding strand, the complement: TTN is on the minus strand). VCF-style: chr2-178612448-C-T. GRCh37 (hg19) VCF-style: chr2-179477175-C-T.
Other names: c.45154G>A, p.Val15052Ile (NM_001256850.1); c.22882G>A, p.Val7628Ile (NM_003319.4); c.42373G>A, p.Val14125Ile (NM_133378.4); c.23257G>A, p.Val7753Ile (NM_133432.3); c.23458G>A, p.Val7820Ile (NM_133437.4); c.50077G>A (NM_001267550.1); short protein forms V16693I, V14125I, V15052I, V7628I, V7820I, V7753I.
Identifiers: ClinVar variation 195639 (VCV000195639.15), dbSNP rs377141765, ClinGen allele CA242127.